The following is an entry in ClinVar:

ClinVar aggregate classification (germline): Conflicting classifications of pathogenicity. Review status: criteria provided, conflicting classifications (1 of 4 stars). 3 submissions from 3 submitters: Uncertain significance (2); Likely benign (1). Last evaluated 2026-03-06.

Conditions:
Gorlin syndrome. Also called: Basal cell nevus syndrome; Nevoid Basal Cell Carcinoma Syndrome. Identifiers: Orphanet 377, MedGen C0004779, MONDO:0007187.
Basal cell carcinoma, susceptibility to, 1. Also called: BCC1. Identifiers: MedGen C2751544, MONDO:0011556, OMIM 605462.
Holoprosencephaly 7 (HPE7). Identifiers: Orphanet 2162, MedGen C1835820, MONDO:0012562, OMIM 610828.
Basal cell nevus syndrome 1 (BCNS1). Also called: GORLIN-GOLTZ SYNDROME; MULTIPLE BASAL CELL NEVI, ODONTOGENIC KERATOCYSTS, AND SKELETAL ANOMALIES. Identifiers: MedGen CN376810, MONDO:0958174, OMIM 109400.
Hereditary cancer-predisposing syndrome. Also called: Neoplastic Syndromes, Hereditary; Tumor predisposition; Hereditary neoplastic syndrome; Hereditary Cancer Syndrome. Identifiers: Orphanet 140162, MedGen C0027672, MeSH D009386, MONDO:0015356.

Allele frequency attached by ClinVar (database versions not stated): TOPMed below 0.00001; gnomAD exomes below 0.00001.
gnomAD v4.1: 2 of 1,613,840 alleles (0.00012%); highest among the groups gnomAD compares: Non-Finnish European, 0.000085%; no homozygotes.

Submissions (3):

Ambry Genetics
Classification: Likely benign for Hereditary cancer-predisposing syndrome. Last evaluated: 2026-03-06. Review status: criteria provided, single submitter. Criteria: Ambry Variant Classification Scheme 2023. Collection method: clinical testing. Allele origin: germline.

Labcorp Genetics (formerly Invitae), Labcorp
Classification: Uncertain significance for Gorlin syndrome. Last evaluated: 2026-01-07. Review status: criteria provided, single submitter. Criteria: Invitae Variant Classification Sherloc (09022015). Collection method: clinical testing. Allele origin: germline.
Comment: This sequence change replaces serine, which is neutral and polar, with cysteine, which is neutral and slightly polar, at codon 554 of the PTCH1 protein (p.Ser554Cys). This variant is not present in population databases (gnomAD no frequency). This variant has not been reported in the literature in individuals affected with PTCH1-related conditions. ClinVar contains an entry for this variant (Variation ID: 409172). Invitae Evidence Modeling of protein sequence and biophysical properties (such as structural, functional, and spatial information, amino acid conservation, physicochemical variation, residue mobility, and thermodynamic stability) indicates that this missense variant is not expected to disrupt PTCH1 protein function with a negative predictive value of 95%. In summary, the available evidence is currently insufficient to determine the role of this variant in disease. Therefore, it has been classified as a Variant of Uncertain Significance.

Fulgent Genetics
Classification: Uncertain significance for Basal cell nevus syndrome 1; Basal cell carcinoma, susceptibility to, 1; Holoprosencephaly 7. Last evaluated: 2024-04-25. Review status: criteria provided, single submitter. Criteria: ACMG Guidelines, 2015. Collection method: clinical testing. Allele origin: germline.

NM_000264.5(PTCH1):c.1660A>T (p.Ser554Cys)

Gene: PTCH1 (patched 1; minus strand). Cytogenetic location: 9q22.32.
Variant type: single nucleotide variant.
Coding change: c.1660A>T on transcript NM_000264.5 (MANE Select); coding-DNA position 1660, A replaced by T.
Protein change: p.Ser554Cys; replaces serine 554 with cysteine.
Molecular consequence: missense variant. On other transcripts: non-coding transcript variant (1).
Genome position (GRCh38, 1-based): chr9:95,476,102, T>A on the plus strand (A>T on the coding strand, the complement: PTCH1 is on the minus strand). VCF-style: chr9-95476102-T-A. GRCh37 (hg19) VCF-style: chr9-98238384-T-A.
Other names: c.1462A>T, p.Ser488Cys (NM_001083602.3); c.1657A>T, p.Ser553Cys (NM_001083603.3); c.1207A>T, p.Ser403Cys (NM_001083604.3, NM_001083605.3, NM_001083606.3 and 1 more transcripts); c.1504A>T, p.Ser502Cys (NM_001354918.2); short protein forms S488C, S554C, S403C, S553C, S502C.
Identifiers: ClinVar variation 409172 (VCV000409172.20), dbSNP rs1060502282, ClinGen allele CA16612675.